The following is an entry in ClinVar:

ClinVar aggregate classification (germline): Uncertain significance (1 of 4 stars; one submission).

Conditions:
Epileptic encephalopathy. Identifiers: MedGen C0543888, HP:0200134.

Allele frequency attached by ClinVar (database versions not stated): TOPMed below 0.00001; ExAC 0.00001; gnomAD 0.00001; gnomAD exomes 0.00001.
gnomAD v4.1: 12 of 1,613,864 alleles (0.00074%); highest among the groups gnomAD compares: South Asian, 0.0066%; no homozygotes.

Submission:

Labcorp Genetics (formerly Invitae), Labcorp
Classification: Uncertain significance for Epileptic encephalopathy. Last evaluated: 2022-09-06. Review status: criteria provided, single submitter. Criteria: Invitae Variant Classification Sherloc (09022015). Collection method: clinical testing. Allele origin: germline.
Comment: This sequence change replaces isoleucine, which is neutral and non-polar, with threonine, which is neutral and polar, at codon 2190 of the RYR3 protein (p.Ile2190Thr). This variant is present in population databases (rs746481657, gnomAD 0.007%). This variant has not been reported in the literature in individuals affected with RYR3-related conditions. ClinVar contains an entry for this variant (Variation ID: 645510). Algorithms developed to predict the effect of missense changes on protein structure and function (SIFT, PolyPhen-2, Align-GVGD) all suggest that this variant is likely to be disruptive. In summary, the available evidence is currently insufficient to determine the role of this variant in disease. Therefore, it has been classified as a Variant of Uncertain Significance.

NM_001036.6(RYR3):c.6569T>C (p.Ile2190Thr)

Gene: RYR3 (ryanodine receptor 3; plus strand). Cytogenetic location: 15q14.
Variant type: single nucleotide variant.
Coding change: c.6569T>C on transcript NM_001036.6 (MANE Select); coding-DNA position 6569, T replaced by C.
Protein change: p.Ile2190Thr; replaces isoleucine 2190 with threonine.
Molecular consequence: missense variant.
Genome position (GRCh38, 1-based): chr15:33,707,004, T>C. VCF-style: chr15-33707004-T-C. GRCh37 (hg19) VCF-style: chr15-33999205-T-C.
Other names: c.6569T>C, p.Ile2190Thr (NM_001243996.4); short protein forms I2190T.
Identifiers: ClinVar variation 645510 (VCV000645510.8), dbSNP rs746481657, ClinGen allele CA7459605.